The following is an entry in ClinVar:

NM_003072.5(SMARCA4):c.1245+3G>A

Gene: SMARCA4 (SWI/SNF related BAF chromatin remodeling complex subunit ATPase 4; plus strand). Cytogenetic location: 19p13.2.
Variant type: single nucleotide variant.
Coding change: c.1245+3G>A on transcript NM_003072.5 (MANE Select); 3 bases into the intron after coding-DNA position 1245, G replaced by A.
Molecular consequence: intron variant.
Genome position (GRCh38, 1-based): chr19:10,989,446, G>A. VCF-style: chr19-10989446-G-A. GRCh37 (hg19) VCF-style: chr19-11100122-G-A.
Other names: c.1245+3G>A (NM_001128844.3, NM_001128849.3, NM_001128847.4 and 6 more transcripts).
Identifiers: ClinVar variation 1509723 (VCV001509723.8), dbSNP rs2145850436, ClinGen allele CA2573155672.

ClinVar aggregate classification (germline): Conflicting classifications of pathogenicity. Review status: criteria provided, conflicting classifications (1 of 4 stars). 3 submissions from 3 submitters: Uncertain significance (2); Likely benign (1). Last evaluated 2026-07-06.

Conditions:
Rhabdoid tumor predisposition syndrome 2 (RTPS2). Identifiers: Orphanet 231108, Orphanet 69077, MedGen C2750074, MONDO:0013224, OMIM 613325.

Submissions (3):

Myriad Genetics, Inc.
Classification: Likely benign for Rhabdoid tumor predisposition syndrome 2. Last evaluated: 2026-07-06. Review status: criteria provided, single submitter. Criteria: Myriad Autosomal Dominant, Autosomal Recessive and X-Linked Classification Criteria (2023). Collection method: clinical testing. Allele origin: unknown.
Comment: This variant is considered likely benign. This variant is intronic and is not expected to impact mRNA splicing.

Quest Diagnostics Nichols Institute San Juan Capistrano
Classification: Uncertain significance. Last evaluated: 2025-02-19. Review status: criteria provided, single submitter. Criteria: Quest Diagnostics criteria. Collection method: clinical testing. Allele origin: unknown.
Comment: The SMARCA4 c.1245+3G>A variant has not been reported in individuals with SMARCA4-related conditions in the published literature. It also has not been reported in large, multi-ethnic general populations (Genome Aggregation Database). Analysis of this variant using software algorithms for the prediction of the effect of nucleotide changes on splicing yielded predictions that this variant does not affect SMARCA4 mRNA splicing. Based on the available information, we are unable to determine the clinical significance of this variant.

Labcorp Genetics (formerly Invitae), Labcorp
Classification: Uncertain significance for Rhabdoid tumor predisposition syndrome 2. Last evaluated: 2020-12-20. Review status: criteria provided, single submitter. Criteria: Invitae Variant Classification Sherloc (09022015). Collection method: clinical testing. Allele origin: germline.
Comment: In summary, the available evidence is currently insufficient to determine the role of this variant in disease. Therefore, it has been classified as a Variant of Uncertain Significance. Nucleotide substitutions within the consensus splice site are a relatively common cause of aberrant splicing (PMID: 17576681, 9536098). Algorithms developed to predict the effect of sequence changes on RNA splicing suggest that this variant is not likely to affect RNA splicing, but this prediction has not been confirmed by published transcriptional studies. This variant has not been reported in the literature in individuals with SMARCA4-related conditions. This variant is not present in population databases (ExAC no frequency). This sequence change falls in intron 7 of the SMARCA4 gene. It does not directly change the encoded amino acid sequence of the SMARCA4 protein. It affects a nucleotide within the consensus splice site of the intron.

Literature cited by the submitters: PubMed 17576681 (cited by Labcorp Genetics (formerly Invitae), Labcorp); PubMed 9536098 (cited by Labcorp Genetics (formerly Invitae), Labcorp).